The following is an entry in ClinVar:

NM_001082486.2(ACD):c.1049C>T (p.Pro350Leu)

Gene: ACD (ACD shelterin complex subunit and telomerase recruitment factor; minus strand). Cytogenetic location: 16q22.1.
Variant type: single nucleotide variant.
Coding change: c.1049C>T on transcript NM_001082486.2 (MANE Select); coding-DNA position 1049, C replaced by T.
Protein change: p.Pro350Leu; replaces proline 350 with leucine.
Molecular consequence: missense variant.
Genome position (GRCh38, 1-based): chr16:67,658,143, G>A on the plus strand (C>T on the coding strand, the complement: ACD is on the minus strand). VCF-style: chr16-67658143-G-A. GRCh37 (hg19) VCF-style: chr16-67692046-G-A.
Other names: c.962C>T, p.Pro321Leu (NM_001410884.1); c.1040C>T, p.Pro347Leu (NM_022914.3); short protein forms P321L, P347L, P350L.
Identifiers: ClinVar variation 2869777 (VCV002869777.3), dbSNP rs1170947069, ClinGen allele CA396352363.

ClinVar aggregate classification (germline): Uncertain significance (1 of 4 stars; one submission).

Conditions:
Dyskeratosis congenita, autosomal dominant 6 (DKCA6). Identifiers: Orphanet 3322, MedGen C4225284, MONDO:0014690, OMIM 616553.

Submission:

Labcorp Genetics (formerly Invitae), Labcorp
Classification: Uncertain significance for Dyskeratosis congenita, autosomal dominant 6. Last evaluated: 2023-05-11. Review status: criteria provided, single submitter. Criteria: Invitae Variant Classification Sherloc (09022015). Collection method: clinical testing. Allele origin: germline.
Comment: This sequence change replaces proline, which is neutral and non-polar, with leucine, which is neutral and non-polar, at codon 436 of the ACD protein (p.Pro436Leu). This variant is present in population databases (no rsID available, gnomAD 0.006%). This variant has not been reported in the literature in individuals affected with ACD-related conditions. Advanced modeling of protein sequence and biophysical properties (such as structural, functional, and spatial information, amino acid conservation, physicochemical variation, residue mobility, and thermodynamic stability) performed at Invitae indicates that this missense variant is not expected to disrupt ACD protein function. In summary, the available evidence is currently insufficient to determine the role of this variant in disease. Therefore, it has been classified as a Variant of Uncertain Significance.